The following is an entry in ClinVar:

ClinVar aggregate classification (germline): Uncertain significance (1 of 4 stars; one submission).

gnomAD v4.1: 2 of 1,185,201 alleles (0.00017%); highest among the groups gnomAD compares: Non-Finnish European, 0.00023%; no homozygotes.

Submission:

GeneDx
Classification: Uncertain significance. Last evaluated: 2024-05-29. Review status: criteria provided, single submitter. Criteria: GeneDx Variant Classification Process June 2021. Collection method: clinical testing. Allele origin: germline. Affected: yes.
Comment: In silico analysis supports that this missense variant has a deleterious effect on protein structure/function; Has not been previously published as pathogenic or benign to our knowledge

NM_001081550.2(THOC2):c.4703T>C (p.Ile1568Thr)

Gene: THOC2 (THO complex subunit 2; minus strand). Cytogenetic location: Xq25.
Variant type: single nucleotide variant.
Coding change: c.4703T>C on transcript NM_001081550.2 (MANE Select); coding-DNA position 4703, T replaced by C.
Protein change: p.Ile1568Thr; replaces isoleucine 1568 with threonine.
Molecular consequence: missense variant.
Genome position (GRCh38, 1-based): chrX:123,611,491, A>G on the plus strand (T>C on the coding strand, the complement: THOC2 is on the minus strand). VCF-style: chrX-123611491-A-G. GRCh37 (hg19) VCF-style: chrX-122745342-A-G.
Other names: short protein forms I1568T.
Identifiers: ClinVar variation 3384372 (VCV003384372.1).